The following is an entry in ClinVar:

NM_033109.5(PNPT1):c.571G>A (p.Val191Ile)

Gene: PNPT1 (polyribonucleotide nucleotidyltransferase 1; minus strand). Cytogenetic location: 2p16.1.
Variant type: single nucleotide variant.
Coding change: c.571G>A on transcript NM_033109.5 (MANE Select); coding-DNA position 571, G replaced by A.
Protein change: p.Val191Ile; replaces valine 191 with isoleucine.
Molecular consequence: missense variant.
Genome position (GRCh38, 1-based): chr2:55,679,790, C>T on the plus strand (G>A on the coding strand, the complement: PNPT1 is on the minus strand). VCF-style: chr2-55679790-C-T. GRCh37 (hg19) VCF-style: chr2-55906925-C-T.
Other names: c.571G>A (NM_033109.4); short protein forms V191I.
Identifiers: ClinVar variation 1426105 (VCV001426105.5), dbSNP rs1477341534, ClinGen allele CA346938093.

ClinVar aggregate classification (germline): Uncertain significance. Review status: criteria provided, multiple submitters, no conflicts (2 of 4 stars). 3 submissions from 3 submitters: Uncertain significance (3). Last evaluated 2026-01-06.

Allele frequency attached by ClinVar (database versions not stated): gnomAD exomes below 0.00001.

Submissions (3):

GeneDx
Classification: Uncertain significance. Last evaluated: 2026-01-06. Review status: criteria provided, single submitter. Criteria: GeneDx Variant Classification Process June 2021. Collection method: clinical testing. Allele origin: germline.
Comment: Not observed at significant frequency in large population cohorts (gnomAD); In silico analysis suggests that this missense variant does not alter protein structure/function; Has not been previously published as pathogenic or benign to our knowledge

Blueprint Genetics
Classification: Uncertain significance. Last evaluated: 2024-10-01. Review status: criteria provided, single submitter. Criteria: ACMG Guidelines, 2015. Collection method: clinical testing. Allele origin: germline.

Labcorp Genetics (formerly Invitae), Labcorp
Classification: Uncertain significance. Last evaluated: 2022-02-22. Review status: criteria provided, single submitter. Criteria: Invitae Variant Classification Sherloc (09022015). Collection method: clinical testing. Allele origin: germline.
Comment: This sequence change replaces valine, which is neutral and non-polar, with isoleucine, which is neutral and non-polar, at codon 191 of the PNPT1 protein (p.Val191Ile). This variant is not present in population databases (gnomAD no frequency). This variant has not been reported in the literature in individuals affected with PNPT1-related conditions. Advanced modeling of protein sequence and biophysical properties (such as structural, functional, and spatial information, amino acid conservation, physicochemical variation, residue mobility, and thermodynamic stability) performed at Invitae indicates that this missense variant is expected to disrupt PNPT1 protein function. In summary, the available evidence is currently insufficient to determine the role of this variant in disease. Therefore, it has been classified as a Variant of Uncertain Significance.